The following is an entry in ClinVar:

NM_004656.4(BAP1):c.784-12T>C

Gene: BAP1 (BRCA1 associated deubiquitinase 1; minus strand). Cytogenetic location: 3p21.1.
Variant type: single nucleotide variant.
Coding change: c.784-12T>C on transcript NM_004656.4 (MANE Select); 12 bases into the intron before coding-DNA position 784, T replaced by C.
Molecular consequence: intron variant.
Genome position (GRCh38, 1-based): chr3:52,405,924, A>G on the plus strand (T>C on the coding strand, the complement: BAP1 is on the minus strand). VCF-style: chr3-52405924-A-G. GRCh37 (hg19) VCF-style: chr3-52439940-A-G.
Other names: c.730-12T>C (NM_001410772.1).
Identifiers: ClinVar variation 3379179 (VCV003379179.1).

ClinVar aggregate classification (germline): Likely benign (1 of 4 stars; one submission).

Conditions:
BAP1-related tumor predisposition syndrome (TPDS1). Also called: BAP1 tumor predisposition syndrome; Tumor susceptibility linked to germline BAP1 mutations; COMMON Syndrome; TUMOR PREDISPOSITION SYNDROME 1. Identifiers: Orphanet 289539, MedGen C3280492, MONDO:0013692, OMIM 614327.

Submission:

Myriad Genetics, Inc.
Classification: Likely benign for BAP1-related tumor predisposition syndrome. Last evaluated: 2024-07-15. Review status: criteria provided, single submitter. Criteria: Myriad Autosomal Dominant, Autosomal Recessive and X-Linked Classification Criteria (2023). Collection method: clinical testing. Allele origin: unknown.
Comment: This variant is considered likely benign. This variant is intronic and is not expected to impact mRNA splicing.